The following is an entry in ClinVar:

ClinVar aggregate classification (germline): Uncertain significance. Review status: criteria provided, multiple submitters, no conflicts (2 of 4 stars). 2 submissions from 2 submitters: Uncertain significance (2). Last evaluated 2025-12-16.

Conditions:
Peroxisome biogenesis disorder. Identifiers: Orphanet 79189, MedGen C1832200, MONDO:0019234. Disease mechanism: loss of function.
Inborn genetic diseases. Identifiers: MedGen C0950123, MeSH D030342.

Allele frequency attached by ClinVar (database versions not stated): ESP Exome Variant Server 0.00008.
gnomAD v4.1: 3 of 1,613,076 alleles (0.00019%); highest among the groups gnomAD compares: African/African-American, 0.004%; no homozygotes.

Submissions (2):

Ambry Genetics
Classification: Uncertain significance for Inborn genetic diseases. Last evaluated: 2025-12-16. Review status: criteria provided, single submitter. Criteria: Ambry Variant Classification Scheme 2023. Collection method: clinical testing. Allele origin: germline.
Comment: The c.1559G>T (p.R520L) alteration is located in exon 7 (coding exon 7) of the PEX6 gene. This alteration results from a G to T substitution at nucleotide position 1559, causing the arginine (R) at amino acid position 520 to be replaced by a leucine (L). Based on data from gnomAD, the T allele has an overall frequency of 0.001% (2/244602) total alleles studied. The highest observed frequency was 0.013% (2/15622) of African alleles. Based on insufficient or conflicting evidence, the clinical significance of this alteration remains unclear.

Labcorp Genetics (formerly Invitae), Labcorp
Classification: Uncertain significance for Peroxisome biogenesis disorder. Last evaluated: 2023-12-18. Review status: criteria provided, single submitter. Criteria: Invitae Variant Classification Sherloc (09022015). Collection method: clinical testing. Allele origin: germline.
Comment: This sequence change replaces arginine, which is basic and polar, with leucine, which is neutral and non-polar, at codon 520 of the PEX6 protein (p.Arg520Leu). This variant is present in population databases (rs143904891, gnomAD 0.01%). This variant has not been reported in the literature in individuals affected with PEX6-related conditions. ClinVar contains an entry for this variant (Variation ID: 1969350). Advanced modeling of protein sequence and biophysical properties (such as structural, functional, and spatial information, amino acid conservation, physicochemical variation, residue mobility, and thermodynamic stability) performed at Invitae indicates that this missense variant is not expected to disrupt PEX6 protein function with a negative predictive value of 95%. In summary, the available evidence is currently insufficient to determine the role of this variant in disease. Therefore, it has been classified as a Variant of Uncertain Significance.

NM_000287.4(PEX6):c.1559G>T (p.Arg520Leu)

Gene: PEX6 (peroxisomal biogenesis factor 6; minus strand). Cytogenetic location: 6p21.1.
Variant type: single nucleotide variant.
Coding change: c.1559G>T on transcript NM_000287.4 (MANE Select); coding-DNA position 1559, G replaced by T.
Protein change: p.Arg520Leu; replaces arginine 520 with leucine.
Molecular consequence: missense variant. On other transcripts: non-coding transcript variant (1).
Genome position (GRCh38, 1-based): chr6:42,968,419, C>A on the plus strand (G>T on the coding strand, the complement: PEX6 is on the minus strand). VCF-style: chr6-42968419-C-A. GRCh37 (hg19) VCF-style: chr6-42936157-C-A.
Other names: c.1295G>T, p.Arg432Leu (NM_001316313.2); c.1559G>T (NM_000287.3); short protein forms R520L, R432L.
Identifiers: ClinVar variation 1969350 (VCV001969350.4), dbSNP rs143904891, ClinGen allele CA3811294.